The following is an entry in ClinVar:

NM_021942.6(TRAPPC11):c.1661A>G (p.Asp554Gly)

Gene: TRAPPC11 (trafficking protein particle complex subunit 11; plus strand). Cytogenetic location: 4q35.1.
Variant type: single nucleotide variant.
Coding change: c.1661A>G on transcript NM_021942.6 (MANE Select); coding-DNA position 1661, A replaced by G.
Protein change: p.Asp554Gly; replaces aspartic acid 554 with glycine.
Molecular consequence: missense variant.
Genome position (GRCh38, 1-based): chr4:183,685,302, A>G. VCF-style: chr4-183685302-A-G. GRCh37 (hg19) VCF-style: chr4-184606455-A-G.
Other names: c.1661A>G, p.Asp554Gly (NM_199053.3); short protein forms D554G.
Identifiers: ClinVar variation 1378957 (VCV001378957.6), dbSNP rs767252459, ClinGen allele CA3151995.

ClinVar aggregate classification (germline): Uncertain significance (1 of 4 stars; one submission).

Conditions:
Autosomal recessive limb-girdle muscular dystrophy type R18 (LGMDR18). Also called: Limb-girdle muscular dystrophy, type 2S; MUSCULAR DYSTROPHY, LIMB-GIRDLE, AUTOSOMAL RECESSIVE 18; Autosomal recessive limb-girdle muscular dystrophy type 2S. Identifiers: Orphanet 369840, MedGen C4517996, MONDO:0014144, OMIM 615356.

Allele frequency attached by ClinVar (database versions not stated): ExAC 0.00001; gnomAD exomes 0.00001.
gnomAD v4.1: 5 of 1,614,134 alleles (0.00031%); highest among the groups gnomAD compares: Admixed American, 0.0033%; no homozygotes.

Submission:

Labcorp Genetics (formerly Invitae), Labcorp
Classification: Uncertain significance for Autosomal recessive limb-girdle muscular dystrophy type R18. Last evaluated: 2022-09-27. Review status: criteria provided, single submitter. Criteria: Invitae Variant Classification Sherloc (09022015). Collection method: clinical testing. Allele origin: germline.
Comment: ClinVar contains an entry for this variant (Variation ID: 1378957). This variant has not been reported in the literature in individuals affected with TRAPPC11-related conditions. This variant is present in population databases (rs767252459, gnomAD 0.006%). This sequence change replaces aspartic acid, which is acidic and polar, with glycine, which is neutral and non-polar, at codon 554 of the TRAPPC11 protein (p.Asp554Gly). Advanced modeling of protein sequence and biophysical properties (such as structural, functional, and spatial information, amino acid conservation, physicochemical variation, residue mobility, and thermodynamic stability) performed at Invitae indicates that this missense variant is not expected to disrupt TRAPPC11 protein function. In summary, the available evidence is currently insufficient to determine the role of this variant in disease. Therefore, it has been classified as a Variant of Uncertain Significance. Algorithms developed to predict the effect of sequence changes on RNA splicing suggest that this variant may create or strengthen a splice site.